The following is an entry in ClinVar:

NM_000179.3(MSH6):c.3936_3951del (p.Ile1313fs)

Gene: MSH6 (mutS homolog 6; plus strand). Cytogenetic location: 2p16.3.
Variant type: Deletion.
Coding change: c.3936_3951del on transcript NM_000179.3 (MANE Select); coding-DNA positions 3936 to 3951, 16 bases deleted (TATTCAAAAGGGACAT).
Protein change: p.Ile1313fs; shifts the reading frame from isoleucine 1313.
Molecular consequence: frameshift variant.
Genome position (GRCh38, 1-based): chr2:47,806,586-47,806,601, TATTCAAAAGGGACAT deleted; deleting any 16 consecutive bases within chr2:47,806,585-47,806,601 gives the same sequence; the c. name uses the placement nearest the transcript's 3' end. VCF-style (leftmost placement, unchanged base first): chr2-47806584-GTTATTCAAAAGGGACA-G. GRCh37 (hg19) VCF-style: chr2-48033723-GTTATTCAAAAGGGACA-G.
Other names: c.3936_3951delTATTCAAAAGGGACAT (NM_000179.2); c.3546_3561del, p.Ile1183fs (NM_001281492.2); c.3030_3045del, p.Ile1011fs (NM_001281493.2, NM_001281494.2); short protein forms I1183fs, I1313fs, I1011fs.
Identifiers: ClinVar variation 495718 (VCV000495718.14), dbSNP rs1553333635, ClinGen allele CA658683259.

ClinVar aggregate classification (germline): Pathogenic/Likely pathogenic. Review status: criteria provided, multiple submitters, no conflicts (2 of 4 stars). 4 submissions from 4 submitters: Pathogenic (2); Likely pathogenic (2). Last evaluated 2026-03-13.

Conditions:
Hereditary nonpolyposis colon cancer (HNPCC). Also called: Hereditary Nonpolyposis Colorectal Cancer Syndrome; Hereditary nonpolyposis colorectal cancer; Familial nonpolyposis colon cancer. Identifiers: Orphanet 443909, MedGen C1333990, MONDO:0018630. Disease mechanism: loss of function.
Hereditary nonpolyposis colorectal neoplasms. Identifiers: MedGen C0009405, MeSH D003123.
Hereditary cancer-predisposing syndrome. Also called: Hereditary Cancer Syndrome; Neoplastic Syndromes, Hereditary; Tumor predisposition; Hereditary neoplastic syndrome. Identifiers: Orphanet 140162, MedGen C0027672, MeSH D009386, MONDO:0015356.
Lynch syndrome 5 (LYNCH5). Also called: Colorectal cancer, hereditary nonpolyposis, type 5; Hereditary non-polyposis colorectal cancer, type 5. Identifiers: Orphanet 144, MedGen C1833477, MONDO:0013710, OMIM 614350. Disease mechanism: loss of function.

Submissions (4):

Ambry Genetics
Classification: Likely pathogenic for Hereditary cancer-predisposing syndrome. Last evaluated: 2026-03-13. Review status: criteria provided, single submitter. Criteria: Ambry Variant Classification Scheme 2023. Collection method: clinical testing. Allele origin: germline.
Comment: The c.3936_3951del16 variant, located in coding exon 9 of the MSH6 gene, results from a deletion of 16 nucleotides at nucleotide positions 3936 to 3951, causing a translational frameshift with a predicted alternate stop codon (p.I1313Efs*9). This variant occurs at the 3' terminus of the gene, is not expected to trigger nonsense-mediated mRNA decay, and impacts the last 3.5% of the protein. However, premature stop codons are typically deleterious in nature and the impacted region is critical for protein function (Ambry internal data). This variant is considered to be rare based on population cohorts in the Genome Aggregation Database (gnomAD). Based on the majority of available evidence to date, this variant is likely to be pathogenic.

Labcorp Genetics (formerly Invitae), Labcorp
Classification: Pathogenic for Hereditary nonpolyposis colorectal neoplasms. Last evaluated: 2024-03-13. Review status: criteria provided, single submitter. Criteria: Invitae Variant Classification Sherloc (09022015). Collection method: clinical testing. Allele origin: germline.
Comment: This sequence change creates a premature translational stop signal (p.Ile1313Glufs*9) in the MSH6 gene. While this is not anticipated to result in nonsense mediated decay, it is expected to disrupt the last 48 amino acid(s) of the MSH6 protein. This variant is not present in population databases (gnomAD no frequency). This variant has not been reported in the literature in individuals affected with MSH6-related conditions. ClinVar contains an entry for this variant (Variation ID: 495718). This variant disrupts a region of the MSH6 protein in which other variant(s) (p.Leu1330Valfs*12) have been determined to be pathogenic (PMID: 14520694, 19851887, 21155762). This suggests that this is a clinically significant region of the protein, and that variants that disrupt it are likely to be disease-causing. For these reasons, this variant has been classified as Pathogenic.

Myriad Genetics, Inc.
Classification: Pathogenic for Lynch syndrome 5. Last evaluated: 2023-10-25. Review status: criteria provided, single submitter. Criteria: Myriad Autosomal Dominant, Autosomal Recessive and X-Linked Classification Criteria (2023). Collection method: clinical testing. Allele origin: unknown.
Comment: This variant is considered pathogenic. This variant creates a frameshift predicted to result in premature protein truncation.

Women's Health and Genetics/Laboratory Corporation of America, LabCorp
Classification: Likely pathogenic for Lynch syndrome. Last evaluated: 2019-04-18. Review status: criteria provided, single submitter. Criteria: LabCorp Variant Classification Summary - May 2015. Collection method: clinical testing. Allele origin: germline.
Comment: Variant summary: MSH6 c.3936_3951del16 (p.Ile1313GlufsX9) results in a premature termination codon, predicted to cause a truncation of the encoded protein or absence of the protein due to nonsense mediated decay, which are commonly known mechanisms for disease. Truncations downstream of this position have been classified as pathogenic by our laboratory (eg. e.g., c.3959_3962delCAAG [p.Ala1320fsX6], c.3984_3987dupGTCA [p.Leu1330fsX12], and c.3991C>T [p.Arg1331X]). The variant was absent in 250130 control chromosomes. c.3936_3951del16 has been reported in the literature in an individual affected with Adenocortical carcinoma (ACC) where it was noted that the identification of germline MSH6 mutations support recent observations that ACC is a Lynch-syndrome associated cancer (Zheng_2016). To our knowledge, no experimental evidence demonstrating an impact on protein function has been reported. No clinical diagnostic laboratories have submitted clinical-significance assessments for this variant to ClinVar after 2014. Based on the evidence outlined above, the variant was classified as likely pathogenic.

Literature cited by the submitters: PubMed 14520694 (cited by Labcorp Genetics (formerly Invitae), Labcorp); PubMed 19851887 (cited by Labcorp Genetics (formerly Invitae), Labcorp); PubMed 21155762 (cited by Labcorp Genetics (formerly Invitae), Labcorp); PubMed 27165744 (cited by Women's Health and Genetics/Laboratory Corporation of America, LabCorp).